The following is an entry in ClinVar:

ClinVar aggregate classification (germline): Uncertain significance (1 of 4 stars; one submission).

Conditions:
MN1-related disorder. Also called: MN1-related condition.

Allele frequency attached by ClinVar (database versions not stated): gnomAD exomes below 0.00001; gnomAD 0.00001; TOPMed 0.00001.
gnomAD v4.1: 4 of 1,483,702 alleles (0.00027%); highest among the groups gnomAD compares: Middle Eastern, 0.018%; no homozygotes.

Submission:

PreventionGenetics, part of Exact Sciences
Classification: Uncertain significance for MN1-related condition. Last evaluated: 2022-12-27. Review status: criteria provided, single submitter. Criteria: ACMG Guidelines, 2015. Collection method: clinical testing. Allele origin: germline.
Comment: The MN1 c.929A>G variant is predicted to result in the amino acid substitution p.His310Arg. To our knowledge, this variant has not been reported in the literature or in a large population database, indicating this variant is rare. At this time, the clinical significance of this variant is uncertain due to the absence of conclusive functional and genetic evidence.

NM_002430.3(MN1):c.929A>G (p.His310Arg)

Gene: MN1 (MN1 proto-oncogene, transcriptional regulator; minus strand). Cytogenetic location: 22q12.1.
Variant type: single nucleotide variant.
Coding change: c.929A>G on transcript NM_002430.3 (MANE Select); coding-DNA position 929, A replaced by G.
Protein change: p.His310Arg; replaces histidine 310 with arginine.
Molecular consequence: missense variant.
Genome position (GRCh38, 1-based): chr22:27,799,615, T>C on the plus strand (A>G on the coding strand, the complement: MN1 is on the minus strand). VCF-style: chr22-27799615-T-C. GRCh37 (hg19) VCF-style: chr22-28195603-T-C.
Other names: short protein forms H310R.
Identifiers: ClinVar variation 2630097 (VCV002630097.1), dbSNP rs1290804900, ClinGen allele CA411049725.
Genomic context (GRCh38, chr22:27,799,615, plus strand): 5'-GAGGGCTCCAGACCCACAGGCATCTTTCTGGCCCCACTGAACCTCTCAAAGAACACACCA[T>C]GCTGCTGCTGCTGCTGCTGGGGCTGCTGCTGCTGCTGGGGCTGCTGCTGCGGTGGCTGGG-3'
Protein context (NP_002421.3, residues 300-320): QQQPQQQQQQ[His310Arg]GVFFERFSGA